The following is an entry in ClinVar:

NM_199334.5(THRA):c.121+1G>A

Gene: THRA (thyroid hormone receptor alpha; plus strand). Cytogenetic location: 17q21.1.
Variant type: single nucleotide variant.
Coding change: c.121+1G>A on transcript NM_199334.5 (MANE Select); the canonical splice donor site of the intron after coding-DNA position 121, G replaced by A.
Molecular consequence: splice donor variant.
Genome position (GRCh38, 1-based): chr17:40,076,939, G>A. VCF-style: chr17-40076939-G-A. GRCh37 (hg19) VCF-style: chr17-38233192-G-A.
Other names: c.121+1G>A (NM_001190919.2, NM_003250.6, NM_001190918.2).
Identifiers: ClinVar variation 1709428 (VCV001709428.2), dbSNP rs2544224894, ClinGen allele CA399264828.

ClinVar aggregate classification (germline): Uncertain significance (1 of 4 stars; one submission).

Conditions:
Congenital nongoitrous hypothyroidism 6. Also called: Congenital nongoitrous hypothryoidism 6. Identifiers: Orphanet 97927, MedGen C3280817, MONDO:0013757, OMIM 614450.

Allele frequency attached by ClinVar (database versions not stated): gnomAD exomes below 0.00001.
gnomAD v4.1: 1 of 1,614,026 alleles (0.000062%); highest among the groups gnomAD compares: Non-Finnish European, 0.000085%; no homozygotes.

Submission:

MGZ Medical Genetics Center
Classification: Uncertain significance for Congenital nongoitrous hypothyroidism 6. Last evaluated: 2022-05-16. Review status: criteria provided, single submitter. Criteria: ACMG Guidelines, 2015. Collection method: clinical testing. Allele origin: germline. Affected: yes. Observed: 2 variant alleles.
Comment: ACMG criteria applied: PM2_SUP